The following is an entry in ClinVar:

ClinVar aggregate classification (germline): Benign (0 of 4 stars; one submission).

Conditions:
CTBP2-related disorder. Also called: CTBP2-related condition.

Allele frequency attached by ClinVar (database versions not stated): gnomAD exomes 0.00034; ExAC 0.00145; gnomAD 0.00369; 1000 Genomes Project 0.00379; 1000 Genomes Project 30x 0.00406; TOPMed 0.00445; ESP Exome Variant Server 0.00485.
gnomAD v4.1: 1,084 of 1,600,304 alleles (0.068%); highest among the groups gnomAD compares: African/African-American, 1.3%; 9 homozygotes.

Submission:

PreventionGenetics, part of Exact Sciences
Classification: Benign for CTBP2-related condition. Last evaluated: 2019-05-27. Review status: no assertion criteria provided. Collection method: clinical testing. Allele origin: germline.
Comment: This variant is classified as benign based on ACMG/AMP sequence variant interpretation guidelines (Richards et al. 2015 PMID: 25741868, with internal and published modifications).

NM_001329.4(CTBP2):c.58+12515G>A

Gene: CTBP2 (C-terminal binding protein 2; minus strand). Cytogenetic location: 10q26.13.
Variant type: single nucleotide variant.
Coding change: c.58+12515G>A on transcript NM_001329.4 (MANE Select); 12515 bases into the intron after coding-DNA position 58, G replaced by A.
Molecular consequence: intron variant. On other transcripts: synonymous variant (1).
Genome position (GRCh38, 1-based): chr10:125,026,482, C>T on the plus strand (G>A on the coding strand, the complement: CTBP2 is on the minus strand). VCF-style: chr10-125026482-C-T. GRCh37 (hg19) VCF-style: chr10-126715051-C-T.
Other names: c.1278G>A, p.Val426= (NM_022802.3); c.58+12515G>A (NM_001083914.3, NM_001290214.3, NM_001321012.2 and 3 more transcripts).
Identifiers: ClinVar variation 3039180 (VCV003039180.2), dbSNP rs77208364, ClinGen allele CA5736257.